The following is an entry in ClinVar:

NM_020232.5(PSMG2):c.407+5G>A

Gene: PSMG2 (proteasome assembly chaperone 2; plus strand). Cytogenetic location: 18p11.21.
Variant type: single nucleotide variant.
Coding change: c.407+5G>A on transcript NM_020232.5 (MANE Select); 5 bases into the intron after coding-DNA position 407, G replaced by A.
Molecular consequence: intron variant.
Genome position (GRCh38, 1-based): chr18:12,718,640, G>A. VCF-style: chr18-12718640-G-A. GRCh37 (hg19) VCF-style: chr18-12718639-G-A.
Other names: c.314+5G>A (NM_147163.2).
Identifiers: ClinVar variation 4808932 (VCV004808932.1).

ClinVar aggregate classification (germline): Uncertain significance (1 of 4 stars; one submission).

Submission:

Labcorp Genetics (formerly Invitae), Labcorp
Classification: Uncertain significance. Last evaluated: 2025-09-10. Review status: criteria provided, single submitter. Criteria: Invitae Variant Classification Sherloc (09022015). Collection method: clinical testing. Allele origin: germline.
Comment: This sequence change falls in intron 4 of the PSMG2 gene. It does not directly change the encoded amino acid sequence of the PSMG2 protein. It affects a nucleotide within the consensus splice site. This variant is not present in population databases (gnomAD no frequency). This variant has not been reported in the literature in individuals affected with PSMG2-related conditions. Variants that disrupt the consensus splice site are a relatively common cause of aberrant splicing (PMID: 17576681, 9536098). Algorithms developed to predict the effect of sequence changes on RNA splicing suggest that this variant may disrupt the consensus splice site. In summary, the available evidence is currently insufficient to determine the role of this variant in disease. Therefore, it has been classified as a Variant of Uncertain Significance.

Literature cited by the submitters: PubMed 17576681; PubMed 9536098.